The following is an entry in ClinVar:

NM_001267550.2(TTN):c.9170A>G (p.His3057Arg)

Gene: TTN (titin; minus strand). Cytogenetic location: 2q31.2.
Variant type: single nucleotide variant.
Coding change: c.9170A>G on transcript NM_001267550.2 (MANE Select); coding-DNA position 9170, A replaced by G.
Protein change: p.His3057Arg; replaces histidine 3057 with arginine.
Molecular consequence: missense variant.
Genome position (GRCh38, 1-based): chr2:178,768,149, T>C on the plus strand (A>G on the coding strand, the complement: TTN is on the minus strand). VCF-style: chr2-178768149-T-C. GRCh37 (hg19) VCF-style: chr2-179632876-T-C.
Other names: c.9170A>G, p.His3057Arg (NM_001256850.1, NM_133378.4, NM_133379.5); c.9032A>G, p.His3011Arg (NM_003319.4, NM_133432.3, NM_133437.4); short protein forms H3011R, H3057R.
Identifiers: ClinVar variation 4977982 (VCV004977982.1).

ClinVar aggregate classification (germline): Uncertain significance (1 of 4 stars; one submission).

Conditions:
TTN-related disorder. Also called: TTN-related condition; TTN-related disease; TTN-related disorders.

gnomAD v4.1: 3 of 1,613,960 alleles (0.00019%); highest among the groups gnomAD compares: Admixed American, 0.0033%; no homozygotes.

Submission:

PreventionGenetics, part of Exact Sciences
Classification: Uncertain significance for TTN-related condition. Last evaluated: 2026-03-12. Review status: criteria provided, single submitter. Criteria: ACMG Guidelines, 2015. Collection method: clinical testing. Allele origin: germline.
Comment: The TTN c.9170A>G variant is predicted to result in the amino acid substitution p.His3057Arg. To our knowledge, this variant has not been reported in the literature. This variant is reported in 0.0057% of alleles in individuals of Latino descent in gnomAD. At this time, the clinical significance of this variant is uncertain due to the absence of conclusive functional and genetic evidence.